The following is an entry in ClinVar:

NM_004937.3(CTNS):c.64T>A (p.Ser22Thr)

Gene: CTNS (cystinosin, lysosomal cystine transporter; plus strand). Cytogenetic location: 17p13.2.
Variant type: single nucleotide variant.
Coding change: c.64T>A on transcript NM_004937.3 (MANE Select); coding-DNA position 64, T replaced by A.
Protein change: p.Ser22Thr; replaces serine 22 with threonine.
Molecular consequence: missense variant. On other transcripts: 5 prime UTR variant (3), intron variant (1).
Genome position (GRCh38, 1-based): chr17:3,647,446, T>A. VCF-style: chr17-3647446-T-A. GRCh37 (hg19) VCF-style: chr17-3550740-T-A.
Other names: c.64T>A, p.Ser22Thr (NM_001031681.3, NM_001374492.1); c.-293T>A (NM_001374493.1, NM_001374496.1); c.-378T>A (NM_001374494.1); c.-217+7179T>A (NM_001374495.1); short protein forms S22T.
Identifiers: ClinVar variation 1903222 (VCV001903222.3), dbSNP rs2075869212, ClinGen allele CA397686984.

ClinVar aggregate classification (germline): Uncertain significance. Review status: criteria provided, multiple submitters, no conflicts (2 of 4 stars). 2 submissions from 2 submitters: Uncertain significance (2). Last evaluated 2024-05-14.

Conditions:
Ocular cystinosis. Also called: Non-Nephropathic Cystinosis; Non-Nephropathic (Ocular) Cystinosis. Identifiers: Orphanet 213, Orphanet 411641, MedGen C2931013, MONDO:0009064, OMIM 219750.
Inborn genetic diseases. Identifiers: MedGen C0950123, MeSH D030342.
Juvenile nephropathic cystinosis. Also called: Intermediate Cystinosis; Later-Onset (Juvenile) Cystinosis; CYSTINOSIS, LATE-ONSET JUVENILE OR ADOLESCENT NEPHROPATHIC TYPE. Identifiers: Orphanet 213, Orphanet 411634, MedGen C0268626, MONDO:0009066, OMIM 219900.
Nephropathic cystinosis (CTNS). Also called: CYSTINOSIN, DEFECT OF; LYSOSOMAL CYSTINE TRANSPORT PROTEIN, DEFECT OF; Abderhalden Lignac Kaufmann disease; Abderhalden-Kaufmann-Lignac syndrome. Identifiers: Orphanet 213, Orphanet 411629, MedGen C2931187, MONDO:0100151, OMIM 219800.

Allele frequency attached by ClinVar (database versions not stated): gnomAD exomes below 0.00001.
gnomAD v4.1: 1 of 1,613,736 alleles (0.000062%); highest among the groups gnomAD compares: African/African-American, 0.0013%; no homozygotes.

Submissions (2):

Fulgent Genetics
Classification: Uncertain significance for Ocular cystinosis; Nephropathic cystinosis; Juvenile nephropathic cystinosis. Last evaluated: 2024-05-14. Review status: criteria provided, single submitter. Criteria: ACMG Guidelines, 2015. Collection method: clinical testing. Allele origin: germline.

Labcorp Genetics (formerly Invitae), Labcorp
Classification: Uncertain significance for Inborn genetic diseases; Ocular cystinosis; Juvenile nephropathic cystinosis. Last evaluated: 2022-08-03. Review status: criteria provided, single submitter. Criteria: Invitae Variant Classification Sherloc (09022015). Collection method: clinical testing. Allele origin: germline.
Comment: This sequence change replaces serine, which is neutral and polar, with threonine, which is neutral and polar, at codon 22 of the CTNS protein (p.Ser22Thr). This variant is not present in population databases (gnomAD no frequency). This variant has not been reported in the literature in individuals affected with CTNS-related conditions. Algorithms developed to predict the effect of missense changes on protein structure and function (SIFT, PolyPhen-2, Align-GVGD) all suggest that this variant is likely to be tolerated. In summary, the available evidence is currently insufficient to determine the role of this variant in disease. Therefore, it has been classified as a Variant of Uncertain Significance.